The following is an entry in ClinVar:

ClinVar aggregate classification (germline): Likely benign (1 of 4 stars; one submission).

gnomAD v4.1: 5,418 of 1,535,612 alleles (0.35%); highest among the groups gnomAD compares: Non-Finnish European, 0.44%; 18 homozygotes.

Submission:

CeGaT Center for Human Genetics Tuebingen
Classification: Likely benign. Last evaluated: 2026-02-01. Review status: criteria provided, single submitter. Criteria: CeGaT Center For Human Genetics Tuebingen Variant Classification Criteria Version 2. Collection method: clinical testing. Allele origin: germline. Affected: yes. Observed: 1 variant allele.
Comment: MUC22: BP4, BS2

NM_001395414.1(MUC22):c.4709C>G (p.Ser1570Cys)

Gene: MUC22 (mucin 22; plus strand). Cytogenetic location: 6p21.33.
Variant type: single nucleotide variant.
Coding change: c.4709C>G on transcript NM_001395414.1 (MANE Select); coding-DNA position 4709, C replaced by G.
Protein change: p.Ser1570Cys; replaces serine 1570 with cysteine.
Molecular consequence: missense variant.
Genome position (GRCh38, 1-based): chr6:31,032,235, C>G. VCF-style: chr6-31032235-C-G. GRCh37 (hg19) VCF-style: chr6-31000012-C-G.
Other names: c.4709C>G, p.Ser1570Cys (NM_001198815.1); c.4718C>G, p.Ser1573Cys (NM_001318484.1); short protein forms S1570C, S1573C.
Identifiers: ClinVar variation 4820712 (VCV004820712.4).
Genomic context (GRCh38, chr6:31,032,235, plus strand): 5'-CTTGTGTGACCTGTTTCATAGGCACCAGAACCACTGGAACCAGACTCACTGCCTCCAGCT[C>G]TGTCACCATGGCCCCTGGAATGGACTTCACGGCCTCTGCTGCCAGCCATACTGTGCCAGG-3'
Protein context (NP_001382343.1, residues 1560-1580): TTGTRLTASS[Ser1570Cys]VTMAPGMDFT